The following is an entry in ClinVar:

ClinVar aggregate classification (germline): Benign/Likely benign. Review status: criteria provided, multiple submitters, no conflicts (2 of 4 stars). 3 submissions from 3 submitters: Benign (1); Likely benign (2). Last evaluated 2025-12-17.

Conditions:
Hereditary cancer-predisposing syndrome. Also called: Tumor predisposition; Neoplastic Syndromes, Hereditary; Hereditary Cancer Syndrome; Hereditary neoplastic syndrome. Identifiers: Orphanet 140162, MedGen C0027672, MeSH D009386, MONDO:0015356.
Birt-Hogg-Dube syndrome 1 (BHD1). Also called: FIBROFOLLICULOMAS WITH TRICHODISCOMAS AND ACROCHORDONS. Identifiers: Orphanet 122, MedGen CN375946, MONDO:0800445, OMIM 135150.
Birt-Hogg-Dube syndrome. Also called: Birt Hogg Dubé syndrome. Identifiers: Orphanet 122, MedGen C0346010, MONDO:0800444.

Allele frequency attached by ClinVar (database versions not stated): gnomAD exomes below 0.00001; TOPMed below 0.00001.
gnomAD v4.1: 5 of 1,613,590 alleles (0.00031%); highest among the groups gnomAD compares: Admixed American, 0.0033%; no homozygotes.

Submissions (3):

Labcorp Genetics (formerly Invitae), Labcorp
Classification: Likely benign for Birt-Hogg-Dube syndrome. Last evaluated: 2025-12-17. Review status: criteria provided, single submitter. Criteria: Invitae Variant Classification Sherloc (09022015). Collection method: clinical testing. Allele origin: germline.

Myriad Genetics, Inc.
Classification: Benign for Birt-Hogg-Dube syndrome 1. Last evaluated: 2024-10-24. Review status: criteria provided, single submitter. Criteria: Myriad Autosomal Dominant, Autosomal Recessive and X-Linked Classification Criteria (2023). Collection method: clinical testing. Allele origin: unknown.
Comment: This variant is considered benign. This variant is a silent/synonymous amino acid change and it is not expected to impact splicing.

Ambry Genetics
Classification: Likely benign for Hereditary cancer-predisposing syndrome. Last evaluated: 2017-01-20. Review status: criteria provided, single submitter. Criteria: Ambry Variant Classification Scheme 2023. Collection method: clinical testing. Allele origin: germline.

NM_144997.7(FLCN):c.1284C>G (p.Pro428=)

Gene: FLCN (folliculin; minus strand). Cytogenetic location: 17p11.2.
Variant type: single nucleotide variant.
Coding change: c.1284C>G on transcript NM_144997.7 (MANE Select); coding-DNA position 1284, C replaced by G.
Protein change: p.Pro428=; no amino-acid change (proline 428 retained).
Molecular consequence: synonymous variant.
Genome position (GRCh38, 1-based): chr17:17,216,396, G>C on the plus strand (C>G on the coding strand, the complement: FLCN is on the minus strand). VCF-style: chr17-17216396-G-C. GRCh37 (hg19) VCF-style: chr17-17119710-G-C.
Other names: c.1284C>G (LRG_325t1); c.1338C>G, p.Pro446= (NM_001353229.2); c.1284C>G, p.Pro428= (NM_001353230.2, NM_001353231.2).
Identifiers: ClinVar variation 485621 (VCV000485621.15), dbSNP rs942763423, ClinGen allele CA288307140.
Genomic context (GRCh38, chr17:17,216,396, plus strand): 5'-ACCTCAGCGCAGGGCATGGCCCCACAGCCCGCGGGGGCACGCACCTGAGGAGAGCACGTG[G>C]GGGGGGATCTGCACGTGCGGGCTGAGCCCCAGGAAGTTGCACCGATAGGCCTCCTCGTAC-3'
Protein context (NP_659434.2, residues 418-438): LGLSPHVQIP[Pro428=]HVLSSEFAVI